The following is an entry in ClinVar:

ClinVar aggregate classification (germline): Likely benign (0 of 4 stars; one submission).

Conditions:
PRODH2-related disorder. Also called: PRODH2-related condition.

Allele frequency attached by ClinVar (database versions not stated): gnomAD exomes 0.00009; ExAC 0.00023; TOPMed 0.00059; ESP Exome Variant Server 0.00062; gnomAD 0.00062; 1000 Genomes Project 0.00140; 1000 Genomes Project 30x 0.00187.
gnomAD v4.1: 224 of 1,613,878 alleles (0.014%); highest among the groups gnomAD compares: African/African-American, 0.22%; 1 homozygote.

Submission:

PreventionGenetics, part of Exact Sciences
Classification: Likely benign for PRODH2-related condition. Last evaluated: 2019-08-22. Review status: no assertion criteria provided. Collection method: clinical testing. Allele origin: germline.
Comment: This variant is classified as likely benign based on ACMG/AMP sequence variant interpretation guidelines (Richards et al. 2015 PMID: 25741868, with internal and published modifications).

NM_021232.2(PRODH2):c.1001+8C>T

Gene: PRODH2 (proline dehydrogenase 2; minus strand). Cytogenetic location: 19q13.12.
Variant type: single nucleotide variant.
Coding change: c.1001+8C>T on transcript NM_021232.2 (MANE Select); 8 bases into the intron after coding-DNA position 1001, C replaced by T.
Molecular consequence: intron variant.
Genome position (GRCh38, 1-based): chr19:35,806,422, G>A on the plus strand (C>T on the coding strand, the complement: PRODH2 is on the minus strand). VCF-style: chr19-35806422-G-A. GRCh37 (hg19) VCF-style: chr19-36297324-G-A.
Other names: c.845+8C>T (NM_001378294.1, NM_001378292.1); c.1001+8C>T (NM_001378293.1).
Identifiers: ClinVar variation 3052785 (VCV003052785.2), dbSNP rs73594419, ClinGen allele CA9389241.